The following is an entry in ClinVar:

ClinVar aggregate classification (germline): Likely benign (1 of 4 stars; one submission).

gnomAD v4.1: 144 of 1,543,840 alleles (0.0093%); highest among the groups gnomAD compares: Middle Eastern, 0.57%; no homozygotes.

Submission:

CeGaT Center for Human Genetics Tuebingen
Classification: Likely benign. Last evaluated: 2024-12-01. Review status: criteria provided, single submitter. Criteria: CeGaT Center For Human Genetics Tuebingen Variant Classification Criteria Version 2. Collection method: clinical testing. Allele origin: germline. Affected: yes. Observed: 1 variant allele.
Comment: IQSEC1: BP4, BP7

NM_001134382.3(IQSEC1):c.3132C>T (p.His1044=)

Gene: IQSEC1 (IQ motif and Sec7 domain ArfGEF 1; minus strand). Cytogenetic location: 3p25.2.
Variant type: single nucleotide variant.
Coding change: c.3132C>T on transcript NM_001134382.3 (MANE Select); coding-DNA position 3132, C replaced by T.
Protein change: p.His1044=; no amino-acid change (histidine 1044 retained).
Molecular consequence: synonymous variant. On other transcripts: 3 prime UTR variant (1), intron variant (1).
Genome position (GRCh38, 1-based): chr3:12,901,196, G>A on the plus strand (C>T on the coding strand, the complement: IQSEC1 is on the minus strand). VCF-style: chr3-12901196-G-A. GRCh37 (hg19) VCF-style: chr3-12942695-G-A.
Other names: c.*313C>T (NM_001330619.3); c.3456C>T, p.His1152= (NM_001376938.2); c.2847+1577C>T (NM_014869.8).
Identifiers: ClinVar variation 3771256 (VCV003771256.13).